The following is an entry in ClinVar:

ClinVar aggregate classification (germline): Uncertain significance (1 of 4 stars; one submission).

Submission:

Labcorp Genetics (formerly Invitae), Labcorp
Classification: Uncertain significance. Last evaluated: 2025-12-05. Review status: criteria provided, single submitter. Criteria: Invitae Variant Classification Sherloc (09022015). Collection method: clinical testing. Allele origin: germline.
Comment: This sequence change replaces isoleucine, which is neutral and non-polar, with leucine, which is neutral and non-polar, at codon 959 of the PPP1R12A protein (p.Ile959Leu). This variant is not present in population databases (gnomAD no frequency). This variant has not been reported in the literature in individuals affected with PPP1R12A-related conditions. An algorithm developed to predict the effect of missense changes on protein structure and function (PolyPhen-2) suggests that this variant is likely to be tolerated. In summary, the available evidence is currently insufficient to determine the role of this variant in disease. Therefore, it has been classified as a Variant of Uncertain Significance.

NM_002480.3(PPP1R12A):c.2980A>T (p.Ile994Leu)

Genes: PPP1R12A (protein phosphatase 1 regulatory subunit 12A; minus strand), PPP1R12A-AS2 (PPP1R12A antisense RNA 2; plus strand). Cytogenetic location: 12q21.2.
Variant type: single nucleotide variant.
Coding change: c.2980A>T on transcript NM_002480.3 (MANE Select); coding-DNA position 2980, A replaced by T.
Protein change: p.Ile994Leu; replaces isoleucine 994 with leucine.
Molecular consequence: missense variant. On other transcripts: non-coding transcript variant (1).
Genome position (GRCh38, 1-based): chr12:79,778,576, T>A on the plus strand (A>T on the coding strand, the complement: PPP1R12A is on the minus strand). VCF-style: chr12-79778576-T-A. GRCh37 (hg19) VCF-style: chr12-80172356-T-A.
Other names: c.2980A>T, p.Ile994Leu (NM_001143885.2); c.2719A>T, p.Ile907Leu (NM_001143886.2); c.2875A>T, p.Ile959Leu (NM_001244990.2); c.2812A>T, p.Ile938Leu (NM_001244992.1); short protein forms I959L, I994L, I907L, I938L.
Identifiers: ClinVar variation 4732593 (VCV004732593.1).